The following is an entry in ClinVar:

NM_001358530.2(MOCS1):c.721del (p.Leu241fs)

Gene: MOCS1 (molybdenum cofactor synthesis 1; minus strand). Cytogenetic location: 6p21.2.
Variant type: Deletion.
Coding change: c.721del on transcript NM_001358530.2 (MANE Select); coding-DNA position 721, one base deleted (C; older notation c.721delC).
Protein change: p.Leu241fs; shifts the reading frame from leucine 241.
Molecular consequence: frameshift variant. On other transcripts: non-coding transcript variant (1).
Genome position (GRCh38, 1-based): chr6:39,913,353, G deleted on the plus strand (C on the coding strand, the reverse complement: MOCS1 is on the minus strand); the first of 5 consecutive G bases (chr6:39,913,353-39,913,357); deleting any one gives the same sequence. VCF-style (leftmost placement, unchanged base first): chr6-39913352-AG-A. GRCh37 (hg19) VCF-style: chr6-39881096-AG-A.
Other names: c.721del, p.Leu241fs (NM_001075098.4, NM_001358529.2, NM_005943.6); c.460del, p.Leu154fs (NM_001358531.2, NM_001358533.2, NM_001358534.2); c.721del (NM_005943.5); short protein forms L154fs, L241fs.
Identifiers: ClinVar variation 1433315 (VCV001433315.9), dbSNP rs1767453857, ClinGen allele CA645556725.

ClinVar aggregate classification (germline): Pathogenic/Likely pathogenic. Review status: criteria provided, multiple submitters, no conflicts (2 of 4 stars). 3 submissions from 3 submitters: Pathogenic (2); Likely pathogenic (1). Last evaluated 2024-08-18.

Conditions:
Sulfite oxidase deficiency due to molybdenum cofactor deficiency type A. Also called: Molybdenum cofactor deficiency, complementation group A; Molybdenum Cofactor Deficiency A. Identifiers: Orphanet 308386, Orphanet 833, MedGen C1854988, MONDO:0009643, OMIM 252150.

Submissions (3):

Labcorp Genetics (formerly Invitae), Labcorp
Classification: Pathogenic for Sulfite oxidase deficiency due to molybdenum cofactor deficiency type A. Last evaluated: 2024-08-18. Review status: criteria provided, single submitter. Criteria: Invitae Variant Classification Sherloc (09022015). Collection method: clinical testing. Allele origin: germline.
Comment: This sequence change creates a premature translational stop signal (p.Leu241Trpfs*6) in the MOCS1 gene. It is expected to result in an absent or disrupted protein product. Loss-of-function variants in MOCS1 are known to be pathogenic (PMID: 12754701, 16021469). This variant is not present in population databases (gnomAD no frequency). This premature translational stop signal has been observed in individual(s) with molybdenum cofactor deficiency (PMID: 32099439). ClinVar contains an entry for this variant (Variation ID: 1433315). For these reasons, this variant has been classified as Pathogenic.

Baylor Genetics
Classification: Pathogenic for Sulfite oxidase deficiency due to molybdenum cofactor deficiency type A. Last evaluated: 2024-03-18. Review status: criteria provided, single submitter. Criteria: ACMG Guidelines, 2015. Collection method: clinical testing. Allele origin: unknown.

Fulgent Genetics
Classification: Likely pathogenic for Sulfite oxidase deficiency due to molybdenum cofactor deficiency type A. Last evaluated: 2024-02-23. Review status: criteria provided, single submitter. Criteria: ACMG Guidelines, 2015. Collection method: clinical testing. Allele origin: germline.

Literature cited by the submitters: PubMed 12754701 (cited by Labcorp Genetics (formerly Invitae), Labcorp); PubMed 16021469 (cited by Labcorp Genetics (formerly Invitae), Labcorp); PubMed 32099439 (cited by Labcorp Genetics (formerly Invitae), Labcorp).